The following is an entry in ClinVar:

ClinVar aggregate classification (germline): Uncertain significance (1 of 4 stars; one submission).

Submission:

GeneDx
Classification: Uncertain significance. Last evaluated: 2024-02-27. Review status: criteria provided, single submitter. Criteria: GeneDx Variant Classification Process June 2021. Collection method: clinical testing. Allele origin: germline. Affected: yes.
Comment: Not observed at significant frequency in large population cohorts (gnomAD); In silico analysis supports that this missense variant has a deleterious effect on protein structure/function; Has not been previously published as pathogenic or benign to our knowledge

NM_004859.4(CLTC):c.1760T>C (p.Met587Thr)

Gene: CLTC (clathrin heavy chain; plus strand). Cytogenetic location: 17q23.1.
Variant type: single nucleotide variant.
Coding change: c.1760T>C on transcript NM_004859.4 (MANE Select); coding-DNA position 1760, T replaced by C.
Protein change: p.Met587Thr; replaces methionine 587 with threonine.
Molecular consequence: missense variant.
Genome position (GRCh38, 1-based): chr17:59,666,218, T>C. VCF-style: chr17-59666218-T-C. GRCh37 (hg19) VCF-style: chr17-57743579-T-C.
Other names: c.1772T>C, p.Met591Thr (NM_001288653.2); short protein forms M587T, M591T.
Identifiers: ClinVar variation 3373428 (VCV003373428.1).
Genomic context (GRCh38, chr17:59,666,218, plus strand): 5'-TTGATGCTCTGAAGAATAATCGCCCATCTGAAGGTCCTTTACAGACGCGGTTACTTGAGA[T>C]GAACCTTATGCATGCGCCTCAAGTATGTGTTTTAATGCTTTTTAGGCATGTTTCCAACAT-3'
Protein context (NP_004850.1, residues 577-597): EGPLQTRLLE[Met587Thr]NLMHAPQVAD